The following is an entry in ClinVar:

NM_000789.4(ACE):c.3691G>A (p.Ala1231Thr)

Gene: ACE (angiotensin I converting enzyme; plus strand). Cytogenetic location: 17q23.3.
Variant type: single nucleotide variant.
Coding change: c.3691G>A on transcript NM_000789.4 (MANE Select); coding-DNA position 3691, G replaced by A.
Protein change: p.Ala1231Thr; replaces alanine 1231 with threonine.
Molecular consequence: missense variant. On other transcripts: non-coding transcript variant (1).
Genome position (GRCh38, 1-based): chr17:63,496,985, G>A. VCF-style: chr17-63496985-G-A. GRCh37 (hg19) VCF-style: chr17-61574346-G-A.
Other names: c.1846G>A, p.Ala616Thr (NM_001178057.2); c.3124G>A, p.Ala1042Thr (NM_001382700.1); c.2839G>A, p.Ala947Thr (NM_001382701.1); c.1306G>A, p.Ala436Thr (NM_001382702.1); c.1969G>A, p.Ala657Thr (NM_152830.3); short protein forms A1042T, A1231T, A436T, A616T, A657T, A947T.
Identifiers: ClinVar variation 3908027 (VCV003908027.1).

ClinVar aggregate classification (germline): Uncertain significance (1 of 4 stars; one submission).

gnomAD v4.1: 15 of 1,608,482 alleles (0.00093%); highest among the groups gnomAD compares: East Asian, 0.0022%; no homozygotes.

Submission:

GeneDx
Classification: Uncertain significance. Last evaluated: 2024-12-26. Review status: criteria provided, single submitter. Criteria: GeneDx Variant Classification Process June 2021. Collection method: clinical testing. Allele origin: germline. Affected: yes.
Comment: In silico analysis supports that this missense variant has a deleterious effect on splicing; In silico analysis indicates that this missense variant does not alter protein structure/function; Has not been previously published as pathogenic or benign to our knowledge